The following is an entry in ClinVar:

NM_000091.5(COL4A3):c.3882+5G>A

Genes: COL4A3 (collagen type IV alpha 3 chain; plus strand), MFF-DT (MFF divergent transcript; minus strand). Cytogenetic location: 2q36.3.
Variant type: single nucleotide variant.
Coding change: c.3882+5G>A on transcript NM_000091.5 (MANE Select); 5 bases into the intron after coding-DNA position 3882, G replaced by A.
Molecular consequence: intron variant.
Genome position (GRCh38, 1-based): chr2:227,298,817, G>A. VCF-style: chr2-227298817-G-A. GRCh37 (hg19) VCF-style: chr2-228163533-G-A.
Other names: c.3882+5G>A (NM_000091.3).
Identifiers: ClinVar variation 451439 (VCV000451439.10), dbSNP rs1553764454, ClinGen allele CA658657247.

ClinVar aggregate classification (germline): Pathogenic/Likely pathogenic. Review status: criteria provided, multiple submitters, no conflicts (2 of 4 stars). 7 submissions from 7 submitters: Pathogenic (3); Likely pathogenic (3). 1 of the submissions does not count toward it. Last evaluated 2025-05-29.

Conditions:
Hematuria, benign familial, 2 (BFH2). Identifiers: MedGen C5830421, MONDO:0958186, OMIM 620320.
Alport syndrome 3b, autosomal recessive. Identifiers: MedGen C5882699, MONDO:0957811, OMIM 620536.
Autosomal dominant Alport syndrome (ATS3A). Also called: ALPORT SYNDROME 3A, AUTOSOMAL DOMINANT; Alport syndrome dominant type; Renal failure and sensorineural hearing loss. Identifiers: Orphanet 63, Orphanet 88918, MedGen C5882663, MONDO:0007086, OMIM 104200.
Alport syndrome. Also called: Hemorrhagic familial nephritis; Hemorrhagic hereditary nephritis; Congenital hereditary hematuria. Identifiers: Orphanet 63, MedGen C1567741, MONDO:0018965.
Autosomal recessive Alport syndrome (ATS2). Also called: ALPORT SYNDROME 2, AUTOSOMAL RECESSIVE; COL4A3-Related Nephropathy; COL4A4 Alport Syndrome and Thin Basement Membrane Nephropathy; Alport syndrome type 2. Identifiers: Orphanet 63, Orphanet 88919, MedGen C4746745, MONDO:0008762, OMIM 203780.

Submissions (7):

Myriad Genetics, Inc.
Classification: Likely pathogenic for Alport syndrome. Last evaluated: 2025-05-29. Review status: criteria provided, single submitter. Criteria: Myriad Autosomal Dominant, Autosomal Recessive and X-Linked Classification Criteria (2023). Collection method: clinical testing. Allele origin: unknown.
Comment: NM_000091.4(COL4A3):c.3882+5G>A is an intronic variant classified as likely pathogenic in the context of Alport syndrome, COL4A3-related. c.3882+5G>A has been observed in cases with relevant disease (PMID: 24033287, 29098738). Relevant functional assessments of this variant are available in the literature (PMID: 29098738). c.3882+5G>A has not been observed in referenced population frequency databases. In summary, NM_000091.4(COL4A3):c.3882+5G>A is an intronic variant that has functional support for pathogenicity and has been observed more frequently in cases with the relevant disease than in healthy populations. Please note: this variant was assessed in the context of healthy population screening.

Natera, Inc.
Classification: Likely pathogenic for Alport syndrome. Last evaluated: 2024-06-23. Review status: criteria provided, single submitter. Criteria: Natera Variant Classification Schema (03/2026). Collection method: clinical testing. Allele origin: germline.
Comment: The c.3882+5G>A variant in COL4A3 is an intronic variant located outside the canonical splice sites. This variant is rare in the general population with a frequency below the threshold expected for the associated phenotype(s). This variant has been observed in one or more individuals affected with the associated recessive disease, as either homozygous or compound heterozygous with a second variant (PMID: 29098738). Additionally, this variant has been observed to segregate in affected family members (PMID: 29098738). Functional studies show that this variant may disrupt protein function (PMID: 29098738). Computational prediction algorithms indicate this variant is likely to affect gene or protein function. Given the available evidence, this variant is classified as Likely Pathogenic.

Fulgent Genetics
Classification: Pathogenic for Autosomal dominant Alport syndrome; Hematuria, benign familial, 2; Alport syndrome 3b, autosomal recessive. Last evaluated: 2024-01-25. Review status: criteria provided, single submitter. Criteria: ACMG Guidelines, 2015. Collection method: clinical testing. Allele origin: germline.

Labcorp Genetics (formerly Invitae), Labcorp
Classification: Pathogenic. Last evaluated: 2023-08-07. Review status: criteria provided, single submitter. Criteria: Invitae Variant Classification Sherloc (09022015). Collection method: clinical testing. Allele origin: germline.
Comment: This sequence change falls in intron 43 of the COL4A3 gene. It does not directly change the encoded amino acid sequence of the COL4A3 protein. It affects a nucleotide within the consensus splice site. This variant is not present in population databases (gnomAD no frequency). This variant has been observed in individuals with Alport syndrome (PMID: 24033287, 29098738). It has also been observed to segregate with disease in related individuals. ClinVar contains an entry for this variant (Variation ID: 451439). Variants that disrupt the consensus splice site are a relatively common cause of aberrant splicing (PMID: 17576681, 9536098). Studies have shown that this variant is associated with altered splicing resulting in multiple RNA products (PMID: 29098738). For these reasons, this variant has been classified as Pathogenic.

Athena Diagnostics
Classification: Pathogenic. Last evaluated: 2022-12-14. Review status: criteria provided, single submitter. Criteria: Athena Diagnostics Criteria. Collection method: clinical testing. Allele origin: unknown.
Comment: This variant appears to be associated with Alport syndrome in at least one family, however, the available information does not rule out an apparent association due to chance. This variant has not been reported in large, multi-ethnic general populations. Assessment of experimental evidence suggests this variant results in abnormal RNA splicing (PMID: 29098738).

GeneDx
Classification: Likely pathogenic. Last evaluated: 2017-08-18. Review status: criteria provided, single submitter. Criteria: GeneDx Variant Classification (06012015). Collection method: clinical testing. Allele origin: germline. Affected: yes.
Comment: The c.3882+5G>A variant in the COL4A3 gene has not been reported previously as a pathogenic variant nor as a benign variant, to our knowledge. However, a different splice variant at the same position, c.3882+5G>C, has been reported in the heterozygous state with another COL4A3 variant in an individual with Alport syndrome (Zhang et al., 2012). The c.3882+5G>A splice site variant is predicted to destroy the natural splice donor site in intron 43, and is expected to cause abnormal gene splicing. The c.3882+5G>A variant is not observed in large population cohorts (Lek et al., 2016; 1000 Genomes Consortium et al., 2015; Exome Variant Server). We interpret c.3882+5G>A as a likely pathogenic variant.

Medical Genetics, University of Parma
Classification: Uncertain significance for Autosomal recessive Alport syndrome. Last evaluated: 2020-03-11. Review status: flagged submission. Criteria: ACMG Guidelines, 2015. Collection method: clinical testing. Allele origin: germline. Affected: yes. Not counted in ClinVar's aggregate classification.
ClinVar note: Reason: Outlier claim with insufficient supporting evidence

Literature cited by the submitters: PubMed 24033287 (cited by 3 submitters); PubMed 29098738 (cited by 4 submitters); PubMed 17576681 (cited by Labcorp Genetics (formerly Invitae), Labcorp); PubMed 9536098 (cited by Labcorp Genetics (formerly Invitae), Labcorp).